The following is an entry in ClinVar:

NM_004586.3(RPS6KA3):c.1248T>G (p.Ile416Met)

Gene: RPS6KA3 (ribosomal protein S6 kinase A3; minus strand). Cytogenetic location: Xp22.12.
Variant type: single nucleotide variant.
Coding change: c.1248T>G on transcript NM_004586.3 (MANE Select); coding-DNA position 1248, T replaced by G.
Protein change: p.Ile416Met; replaces isoleucine 416 with methionine.
Molecular consequence: missense variant.
Genome position (GRCh38, 1-based): chrX:20,172,851, A>C on the plus strand (T>G on the coding strand, the complement: RPS6KA3 is on the minus strand). VCF-style: chrX-20172851-A-C. GRCh37 (hg19) VCF-style: chrX-20190969-A-C.
Other names: c.1248T>G (NM_004586.2); short protein forms I416M.
Identifiers: ClinVar variation 2049260 (VCV002049260.5), dbSNP rs1449278063, ClinGen allele CA412516568.
Genomic context (GRCh38, chrX:20,172,851, plus strand): 5'-GCAAACAGAGTAGGAGCCAACTCCAATATCTTCTTTTACTTCATATCCATCAGTAAACTG[A>C]ATACTGTTCCTGTGTAACTGCTACAAAAAATTATAAATTGGTGAAGAGTCCCATAATGCC-3'
Protein context (NP_004577.1, residues 406-426): SIVQQLHRNS[Ile416Met]QFTDGYEVKE

ClinVar aggregate classification (germline): Benign. Review status: criteria provided, single submitter (1 of 4 stars). 2 submissions from 2 submitters: Benign (1). 1 of the submissions does not count toward it. Last evaluated 2024-11-03.

Conditions:
RPS6KA3-related disorder. Also called: RPS6KA3-related condition.
Intellectual developmental disorder, X-linked 19. Also called: Intellectual disability, X-linked 19. Identifiers: Orphanet 777, MedGen C0796225, MONDO:0010447, OMIM 300844.
Coffin-Lowry syndrome (CLS). Also called: COFFIN-LOWRY SYNDROME, MILD; Mental retardation with osteocartilaginous abnormalities. Identifiers: Orphanet 192, MedGen C0265252, MONDO:0010561, OMIM 303600.

Allele frequency attached by ClinVar (database versions not stated): gnomAD exomes below 0.00001.
gnomAD v4.1: 1 of 1,206,452 alleles (0.000083%); highest among the groups gnomAD compares: East Asian, 0.003%; no homozygotes.

Submissions (2):

Labcorp Genetics (formerly Invitae), Labcorp
Classification: Benign for Coffin-Lowry syndrome; Intellectual developmental disorder, X-linked 19. Last evaluated: 2024-11-03. Review status: criteria provided, single submitter. Criteria: Invitae Variant Classification Sherloc (09022015). Collection method: clinical testing. Allele origin: germline.

PreventionGenetics, part of Exact Sciences
Classification: Uncertain significance for RPS6KA3-related condition. Last evaluated: 2024-05-29. Review status: no assertion criteria provided. Collection method: clinical testing. Allele origin: germline. Not counted in ClinVar's aggregate classification.
Comment: The RPS6KA3 c.1248T>G variant is predicted to result in the amino acid substitution p.Ile416Met. To our knowledge, this variant has not been reported in the literature. This variant is reported in 0.0072% of alleles in individuals of East Asian descent in gnomAD. At this time, the clinical significance of this variant is uncertain due to the absence of conclusive functional and genetic evidence.